The following is an entry in ClinVar:

NM_019095.6(CRLS1):c.75G>A (p.Pro25=)

Gene: CRLS1 (cardiolipin synthase 1; plus strand). Cytogenetic location: 20p12.3.
Variant type: single nucleotide variant.
Coding change: c.75G>A on transcript NM_019095.6 (MANE Select); coding-DNA position 75, G replaced by A.
Protein change: p.Pro25=; no amino-acid change (proline 25 retained).
Molecular consequence: synonymous variant. On other transcripts: 5 prime UTR variant (1), non-coding transcript variant (1), intron variant (1).
Genome position (GRCh38, 1-based): chr20:6,006,321, G>A. VCF-style: chr20-6006321-G-A. GRCh37 (hg19) VCF-style: chr20-5986967-G-A.
Other names: c.-321G>A (NM_001323563.2); c.-28+210G>A (NM_001323562.2).
Identifiers: ClinVar variation 3778275 (VCV003778275.7).

ClinVar aggregate classification (germline): Likely benign (1 of 4 stars; one submission).

gnomAD v4.1: 49 of 1,339,386 alleles (0.0037%); highest among the groups gnomAD compares: Non-Finnish European, 0.0041%; no homozygotes.

Submission:

CeGaT Center for Human Genetics Tuebingen
Classification: Likely benign. Last evaluated: 2025-03-01. Review status: criteria provided, single submitter. Criteria: CeGaT Center For Human Genetics Tuebingen Variant Classification Criteria Version 2. Collection method: clinical testing. Allele origin: germline. Affected: yes. Observed: 1 variant allele.
Comment: CRLS1: BP4, BP7